The following is an entry in ClinVar:

ClinVar aggregate classification (germline): Benign/Likely benign. Review status: criteria provided, multiple submitters, no conflicts (2 of 4 stars). 4 submissions from 4 submitters: Benign (1); Likely benign (2). 1 of the submissions does not count toward it. Last evaluated 2025-01-05.

Conditions:
Inborn genetic diseases. Identifiers: MedGen C0950123, MeSH D030342.
ASXL1-related disorder. Also called: ASXL1-related condition; ASXL1-related disorders.

gnomAD v4.1: 47 of 1,613,816 alleles (0.0029%); highest among the groups gnomAD compares: East Asian, 0.08%; no homozygotes.

Submissions (4):

Ambry Genetics
Classification: Likely benign for Inborn genetic diseases. Last evaluated: 2025-01-05. Review status: criteria provided, single submitter. Criteria: Ambry Variant Classification Scheme 2023. Collection method: clinical testing. Allele origin: germline.

Labcorp Genetics (formerly Invitae), Labcorp
Classification: Benign. Last evaluated: 2024-10-22. Review status: criteria provided, single submitter. Criteria: Invitae Variant Classification Sherloc (09022015). Collection method: clinical testing. Allele origin: germline.

Blueprint Genetics
Classification: Likely benign. Last evaluated: 2023-10-06. Review status: criteria provided, single submitter. Criteria: ACMG Guidelines, 2015. Collection method: clinical testing. Allele origin: germline.

PreventionGenetics, part of Exact Sciences
Classification: Likely benign for ASXL1-related condition. Last evaluated: 2019-04-16. Review status: no assertion criteria provided. Collection method: clinical testing. Allele origin: germline. Not counted in ClinVar's aggregate classification.
Comment: This variant is classified as likely benign based on ACMG/AMP sequence variant interpretation guidelines (Richards et al. 2015 PMID: 25741868, with internal and published modifications).

NM_015338.6(ASXL1):c.4521G>A (p.Ala1507=)

Gene: ASXL1 (ASXL transcriptional regulator 1; plus strand). Cytogenetic location: 20q11.21.
Variant type: single nucleotide variant.
Coding change: c.4521G>A on transcript NM_015338.6 (MANE Select); coding-DNA position 4521, G replaced by A.
Protein change: p.Ala1507=; no amino-acid change (alanine 1507 retained).
Molecular consequence: synonymous variant.
Genome position (GRCh38, 1-based): chr20:32,437,233, G>A. VCF-style: chr20-32437233-G-A. GRCh37 (hg19) VCF-style: chr20-31025036-G-A.
Other names: c.4338G>A, p.Ala1446= (NM_001363734.1).
Identifiers: ClinVar variation 2901814 (VCV002901814.7), dbSNP rs760605807, ClinGen allele CA9809041.